The following is an entry in ClinVar:

NM_025163.4(PIGZ):c.447G>A (p.Pro149=)

Gene: PIGZ (phosphatidylinositol glycan anchor biosynthesis class Z (Gwada blood group); minus strand). Cytogenetic location: 3q29.
Variant type: single nucleotide variant.
Coding change: c.447G>A on transcript NM_025163.4 (MANE Select); coding-DNA position 447, G replaced by A.
Protein change: p.Pro149=; no amino-acid change (proline 149 retained).
Molecular consequence: synonymous variant.
Genome position (GRCh38, 1-based): chr3:196,948,450, C>T on the plus strand (G>A on the coding strand, the complement: PIGZ is on the minus strand). VCF-style: chr3-196948450-C-T. GRCh37 (hg19) VCF-style: chr3-196675321-C-T.
Identifiers: ClinVar variation 2654517 (VCV002654517.24), dbSNP rs199521863, ClinGen allele CA2783933.

ClinVar aggregate classification (germline): Likely benign (1 of 4 stars; one submission).

Allele frequency attached by ClinVar (database versions not stated): ExAC 0.00002; gnomAD 0.00003; 1000 Genomes Project 30x 0.00016; 1000 Genomes Project 0.00020.
gnomAD v4.1: 67 of 1,614,046 alleles (0.0042%); highest among the groups gnomAD compares: East Asian, 0.027%; no homozygotes.

Submission:

CeGaT Center for Human Genetics Tuebingen
Classification: Likely benign. Last evaluated: 2022-12-01. Review status: criteria provided, single submitter. Criteria: CeGaT Center For Human Genetics Tuebingen Variant Classification Criteria Version 2. Collection method: clinical testing. Allele origin: germline. Affected: yes. Observed: 2 variant alleles.
Comment: PIGZ: BP4, BP7